The following is an entry in ClinVar:

ClinVar aggregate classification (germline): Uncertain significance (1 of 4 stars; one submission).

Allele frequency attached by ClinVar (database versions not stated): gnomAD exomes 0.00001; ExAC 0.00002.
gnomAD v4.1: 3 of 1,614,240 alleles (0.00019%); highest among the groups gnomAD compares: Admixed American, 0.005%; no homozygotes.

Submission:

Labcorp Genetics (formerly Invitae), Labcorp
Classification: Uncertain significance. Last evaluated: 2022-08-16. Review status: criteria provided, single submitter. Criteria: Invitae Variant Classification Sherloc (09022015). Collection method: clinical testing. Allele origin: germline.
Comment: This variant has not been reported in the literature in individuals affected with SYT2-related conditions. In summary, the available evidence is currently insufficient to determine the role of this variant in disease. Therefore, it has been classified as a Variant of Uncertain Significance. Algorithms developed to predict the effect of missense changes on protein structure and function are either unavailable or do not agree on the potential impact of this missense change (SIFT: "Tolerated"; PolyPhen-2: "Probably Damaging"; Align-GVGD: "Class C0"). ClinVar contains an entry for this variant (Variation ID: 1370570). This variant is present in population databases (rs755872338, gnomAD 0.006%). This sequence change replaces asparagine, which is neutral and polar, with aspartic acid, which is acidic and polar, at codon 368 of the SYT2 protein (p.Asn368Asp).

NM_177402.5(SYT2):c.1102A>G (p.Asn368Asp)

Gene: SYT2 (synaptotagmin 2; minus strand). Cytogenetic location: 1q32.1.
Variant type: single nucleotide variant.
Coding change: c.1102A>G on transcript NM_177402.5 (MANE Select); coding-DNA position 1102, A replaced by G.
Protein change: p.Asn368Asp; replaces asparagine 368 with aspartic acid.
Molecular consequence: missense variant.
Genome position (GRCh38, 1-based): chr1:202,596,915, T>C on the plus strand (A>G on the coding strand, the complement: SYT2 is on the minus strand). VCF-style: chr1-202596915-T-C. GRCh37 (hg19) VCF-style: chr1-202566043-T-C.
Other names: c.1102A>G, p.Asn368Asp (NM_001136504.1); short protein forms N368D.
Identifiers: ClinVar variation 1370570 (VCV001370570.6), dbSNP rs755872338, ClinGen allele CA1333606.